The following is an entry in ClinVar:

NM_002335.4(LRP5):c.4594A>C (p.Ile1532Leu)

Gene: LRP5 (LDL receptor related protein 5; plus strand). Cytogenetic location: 11q13.2.
Variant type: single nucleotide variant.
Coding change: c.4594A>C on transcript NM_002335.4 (MANE Select); coding-DNA position 4594, A replaced by C.
Protein change: p.Ile1532Leu; replaces isoleucine 1532 with leucine.
Molecular consequence: missense variant.
Genome position (GRCh38, 1-based): chr11:68,448,816, A>C. VCF-style: chr11-68448816-A-C. GRCh37 (hg19) VCF-style: chr11-68216284-A-C.
Other names: c.2851A>C, p.Ile951Leu (NM_001291902.2); short protein forms I951L, I1532L.
Identifiers: ClinVar variation 1938675 (VCV001938675.5), dbSNP rs1202137792, ClinGen allele CA381617808.

ClinVar aggregate classification (germline): Uncertain significance (1 of 4 stars; one submission).

Allele frequency attached by ClinVar (database versions not stated): gnomAD 0.00001.
gnomAD v4.1: 36 of 1,605,674 alleles (0.0022%); highest among the groups gnomAD compares: Non-Finnish European, 0.0027%; no homozygotes.

Submission:

Labcorp Genetics (formerly Invitae), Labcorp
Classification: Uncertain significance. Last evaluated: 2023-10-09. Review status: criteria provided, single submitter. Criteria: Invitae Variant Classification Sherloc (09022015). Collection method: clinical testing. Allele origin: germline.
Comment: This sequence change replaces isoleucine, which is neutral and non-polar, with leucine, which is neutral and non-polar, at codon 1532 of the LRP5 protein (p.Ile1532Leu). This variant is present in population databases (no rsID available, gnomAD 0.004%). This variant has not been reported in the literature in individuals affected with LRP5-related conditions. ClinVar contains an entry for this variant (Variation ID: 1938675). Advanced modeling of protein sequence and biophysical properties (such as structural, functional, and spatial information, amino acid conservation, physicochemical variation, residue mobility, and thermodynamic stability) performed at Invitae indicates that this missense variant is not expected to disrupt LRP5 protein function. In summary, the available evidence is currently insufficient to determine the role of this variant in disease. Therefore, it has been classified as a Variant of Uncertain Significance.